The following is an entry in ClinVar:

NM_001039141.3(TRIOBP):c.3586A>T (p.Met1196Leu)

Gene: TRIOBP (TRIO and F-actin binding protein; plus strand). Cytogenetic location: 22q13.1.
Variant type: single nucleotide variant.
Coding change: c.3586A>T on transcript NM_001039141.3 (MANE Select); coding-DNA position 3586, A replaced by T.
Protein change: p.Met1196Leu; replaces methionine 1196 with leucine.
Molecular consequence: missense variant.
Genome position (GRCh38, 1-based): chr22:37,726,142, A>T. VCF-style: chr22-37726142-A-T. GRCh37 (hg19) VCF-style: chr22-38122149-A-T.
Other names: short protein forms M1196L.
Identifiers: ClinVar variation 3341039 (VCV003341039.2).

ClinVar aggregate classification (germline): Uncertain significance (1 of 4 stars; one submission).

Submission:

GeneDx
Classification: Uncertain significance. Last evaluated: 2026-07-23. Review status: criteria provided, single submitter. Criteria: GeneDx Variant Classification Process June 2021. Collection method: clinical testing. Allele origin: germline.
Comment: In silico analysis suggests that this missense variant does not alter protein structure/function; Has not been previously published as pathogenic or benign to our knowledge